The following is an entry in ClinVar:

ClinVar aggregate classification (germline): Uncertain significance (1 of 4 stars; one submission).

gnomAD v4.1: 3 of 1,613,904 alleles (0.00019%); highest among the groups gnomAD compares: Non-Finnish European, 0.00025%; no homozygotes.

Submission:

GeneDx
Classification: Uncertain significance. Last evaluated: 2025-05-07. Review status: criteria provided, single submitter. Criteria: GeneDx Variant Classification Process June 2021. Collection method: clinical testing. Allele origin: germline. Affected: yes.
Comment: Not observed at significant frequency in large population cohorts (gnomAD); In silico analysis suggests that this missense variant does not alter protein structure/function; Has not been previously published as pathogenic or benign to our knowledge

NM_001909.5(CTSD):c.192G>C (p.Glu64Asp)

Genes: CTSD (cathepsin D; minus strand), PRADX (PRC2 and DDX5 associated lncRNA; plus strand). Cytogenetic location: 11p15.5.
Variant type: single nucleotide variant.
Coding change: c.192G>C on transcript NM_001909.5 (MANE Select); coding-DNA position 192, G replaced by C.
Protein change: p.Glu64Asp; replaces glutamic acid 64 with aspartic acid.
Molecular consequence: missense variant. On other transcripts: non-coding transcript variant (1).
Genome position (GRCh38, 1-based): chr11:1,761,345, C>G on the plus strand (G>C on the coding strand, the complement: CTSD is on the minus strand). VCF-style: chr11-1761345-C-G. GRCh37 (hg19) VCF-style: chr11-1782575-C-G.
Other names: short protein forms E64D.
Identifiers: ClinVar variation 4527495 (VCV004527495.1).